The following is an entry in ClinVar:

ClinVar aggregate classification (germline): Uncertain significance. Review status: criteria provided, multiple submitters, no conflicts (2 of 4 stars). 2 submissions from 2 submitters: Uncertain significance (2). Last evaluated 2022-06-21.

Conditions:
Congenital myasthenic syndrome 4A. Also called: Myasthenic syndrome, congenital, 4a, slow-channel; CONGENITAL MYASTHENIC SYNDROME TYPE Ia1; MYASTHENIC SYNDROME, CONGENITAL, 4A, SLOW-CHANNEL, AUTOSOMAL RECESSIVE. Identifiers: Orphanet 590, MedGen C4225413, MONDO:0011600, OMIM 605809.

Allele frequency attached by ClinVar (database versions not stated): gnomAD exomes below 0.00001.
gnomAD v4.1: 2 of 1,613,830 alleles (0.00012%); highest among the groups gnomAD compares: Non-Finnish European, 0.00017%; no homozygotes.

Submissions (2):

Labcorp Genetics (formerly Invitae), Labcorp
Classification: Uncertain significance for Congenital myasthenic syndrome 4A. Last evaluated: 2022-06-21. Review status: criteria provided, single submitter. Criteria: Invitae Variant Classification Sherloc (09022015). Collection method: clinical testing. Allele origin: germline.
Comment: This sequence change replaces glutamic acid, which is acidic and polar, with glycine, which is neutral and non-polar, at codon 46 of the CHRNE protein (p.Glu46Gly). This variant is not present in population databases (gnomAD no frequency). This variant has not been reported in the literature in individuals affected with CHRNE-related conditions. Advanced modeling of protein sequence and biophysical properties (such as structural, functional, and spatial information, amino acid conservation, physicochemical variation, residue mobility, and thermodynamic stability) performed at Invitae indicates that this missense variant is not expected to disrupt CHRNE protein function. In summary, the available evidence is currently insufficient to determine the role of this variant in disease. Therefore, it has been classified as a Variant of Uncertain Significance.

Blueprint Genetics
Classification: Uncertain significance. Last evaluated: 2021-02-17. Review status: criteria provided, single submitter. Criteria: ACMG Guidelines, 2015. Collection method: clinical testing. Allele origin: germline.

NM_000080.4(CHRNE):c.137A>G (p.Glu46Gly)

Genes: C17orf107 (chromosome 17 open reading frame 107; plus strand), CHRNE (cholinergic receptor nicotinic epsilon subunit; minus strand). Cytogenetic location: 17p13.2.
Variant type: single nucleotide variant.
Coding change: c.137A>G on transcript NM_000080.4 (MANE Select); coding-DNA position 137, A replaced by G.
Protein change: p.Glu46Gly; replaces glutamic acid 46 with glycine.
Molecular consequence: missense variant. On other transcripts: 3 prime UTR variant (1).
Genome position (GRCh38, 1-based): chr17:4,902,673, T>C on the plus strand (A>G on the coding strand, the complement: CHRNE is on the minus strand). VCF-style: chr17-4902673-T-C. GRCh37 (hg19) VCF-style: chr17-4805968-T-C.
Other names: c.*2140T>C (NM_001145536.2); short protein forms E46G.
Identifiers: ClinVar variation 2165232 (VCV002165232.2), dbSNP rs2507563451, ClinGen allele CA397307792.
Genomic context (GRCh38, chr17:4,902,673, plus strand): 5'-TAGCTTACCAGTGAGATGAGATTCGTCAGGGTGACCTTGAGGCTGATGGTGACAGTATCC[T>C]CAGGCTCCCGCACTGGCCGGCTTCCTGGGTCATAGTTGTTGAAGAGATGGTGATAAAGAC-3'
Protein context (NP_000071.1, residues 36-56): DPGSRPVREP[Glu46Gly]DTVTISLKVT